The following is an entry in ClinVar:

ClinVar aggregate classification (germline): Likely benign. Review status: criteria provided, single submitter (1 of 4 stars). 2 submissions from 2 submitters: Likely benign (1). 1 of the submissions does not count toward it. Last evaluated 2025-11-10.

Conditions:
LAMA2-related muscular dystrophy (LAMA2-RD). Also called: Laminin alpha 2-related dystrophy. Identifiers: MedGen C5679788, MONDO:0100228.

Allele frequency attached by ClinVar (database versions not stated): ExAC 0.00001; gnomAD 0.00001; gnomAD exomes 0.00002; TOPMed 0.00003.
gnomAD v4.1: 18 of 1,613,082 alleles (0.0011%); highest among the groups gnomAD compares: East Asian, 0.0067%; no homozygotes.

Submissions (2):

Labcorp Genetics (formerly Invitae), Labcorp
Classification: Likely benign for LAMA2-related muscular dystrophy. Last evaluated: 2025-11-10. Review status: criteria provided, single submitter. Criteria: Invitae Variant Classification Sherloc (09022015). Collection method: clinical testing. Allele origin: germline.

Department of Pathology and Laboratory Medicine, Sinai Health System
Classification: Uncertain significance. Review status: no assertion criteria provided. Collection method: clinical testing. Allele origin: unknown. Affected: yes. Study: The Canadian Open Genetics Repository (COGR). Not counted in ClinVar's aggregate classification.
Comment: The LAMA2 p.Arg2965His variant was not identified in the literature nor was it identified in the ClinVar, Cosmic, MutDB or LOVD 3.0 databases. The variant was identified in dbSNP (ID: rs748126149) and in control databases in 5 of 282602 chromosomes at a frequency of 0.000018 (Genome Aggregation Database Feb 27, 2017). The variant was observed in the following populations: African in 2 of 24966 chromosomes (freq: 0.00008), East Asian in 1 of 19918 chromosomes (freq: 0.00005), Latino in 1 of 35418 chromosomes (freq: 0.000028) and European (non-Finnish) in 1 of 128990 chromosomes (freq: 0.000008), but was not observed in the Ashkenazi Jewish, European (Finnish), Other, and South Asian populations. The p.Arg2965 residue is conserved in mammals and computational analyses (PolyPhen-2, SIFT, AlignGVGD, BLOSUM, and MutationTaster) provide inconsistent predictions regarding the impact to the protein; this information is not very predictive of pathogenicity. In summary, based on the above information the clinical significance of this variant cannot be determined with certainty at this time. This variant is classified as a variant of uncertain significance.

NM_000426.4(LAMA2):c.8906G>A (p.Arg2969His)

Gene: LAMA2 (laminin subunit alpha 2; plus strand). Cytogenetic location: 6q22.33.
Variant type: single nucleotide variant.
Coding change: c.8906G>A on transcript NM_000426.4 (MANE Select); coding-DNA position 8906, G replaced by A.
Protein change: p.Arg2969His; replaces arginine 2969 with histidine.
Molecular consequence: missense variant.
Genome position (GRCh38, 1-based): chr6:129,512,411, G>A. VCF-style: chr6-129512411-G-A. GRCh37 (hg19) VCF-style: chr6-129833556-G-A.
Other names: c.8894G>A, p.Arg2965His (NM_001079823.2); short protein forms R2965H, R2969H.
Identifiers: ClinVar variation 1043043 (VCV001043043.6), dbSNP rs748126149, ClinGen allele CA3994962.
Genomic context (GRCh38, chr6:129,512,411, plus strand): 5'-TTCATTTTACAGTTGGTGGATTCAAAGTGGGATTGGACCTTCTTGTAGAATTTGAATTCC[G>A]CACAACTACAACGACTGGAGTTCTTCTGGGGATCAGTAGTCAAAAAATGGATGGAATGGG-3'
Protein context (NP_000417.3, residues 2959-2979): GLDLLVEFEF[Arg2969His]TTTTTGVLLG